The following is an entry in ClinVar:

NM_001134407.3(GRIN2A):c.1847C>T (p.Ser616Phe)

Gene: GRIN2A (glutamate ionotropic receptor NMDA type subunit 2A; minus strand). Cytogenetic location: 16p13.2.
Variant type: single nucleotide variant.
Coding change: c.1847C>T on transcript NM_001134407.3 (MANE Select); coding-DNA position 1847, C replaced by T.
Protein change: p.Ser616Phe; replaces serine 616 with phenylalanine.
Molecular consequence: missense variant.
Genome position (GRCh38, 1-based): chr16:9,829,583, G>A on the plus strand (C>T on the coding strand, the complement: GRIN2A is on the minus strand). VCF-style: chr16-9829583-G-A. GRCh37 (hg19) VCF-style: chr16-9923440-G-A.
Other names: c.1847C>T, p.Ser616Phe (NM_000833.5, NM_001134408.2); short protein forms S616F.
Identifiers: ClinVar variation 2010115 (VCV002010115.4), dbSNP rs2506111827, ClinGen allele CA394799697.

ClinVar aggregate classification (germline): Pathogenic (1 of 4 stars; one submission).

Conditions:
Landau-Kleffner syndrome (FESD). Also called: EPILEPSY, FOCAL, WITH SPEECH DISORDER AND WITH OR WITHOUT MENTAL RETARDATION; APHASIA, ACQUIRED, WITH EPILEPSY. Identifiers: Orphanet 1945, Orphanet 725, Orphanet 98818, MedGen C0282512, MONDO:0009509, OMIM 245570.

Submission:

Labcorp Genetics (formerly Invitae), Labcorp
Classification: Pathogenic for Landau-Kleffner syndrome. Last evaluated: 2022-07-13. Review status: criteria provided, single submitter. Criteria: Invitae Variant Classification Sherloc (09022015). Collection method: clinical testing. Allele origin: germline.
Comment: This missense change has been observed in individual(s) with a spectrum of autosomal dominant developmental and epileptic encephalopathy (Invitae). In at least one individual the variant was observed to be de novo. Advanced modeling of protein sequence and biophysical properties (such as structural, functional, and spatial information, amino acid conservation, physicochemical variation, residue mobility, and thermodynamic stability) performed at Invitae indicates that this missense variant is expected to disrupt GRIN2A protein function. For these reasons, this variant has been classified as Pathogenic. This sequence change replaces serine, which is neutral and polar, with phenylalanine, which is neutral and non-polar, at codon 616 of the GRIN2A protein (p.Ser616Phe). This variant is not present in population databases (gnomAD no frequency).